The following is an entry in ClinVar:

NM_024642.5(GALNT12):c.731+5G>A

Gene: GALNT12 (polypeptide N-acetylgalactosaminyltransferase 12; plus strand). Cytogenetic location: 9q22.33.
Variant type: single nucleotide variant.
Coding change: c.731+5G>A on transcript NM_024642.5 (MANE Select); 5 bases into the intron after coding-DNA position 731, G replaced by A.
Molecular consequence: intron variant.
Genome position (GRCh38, 1-based): chr9:98,826,946, G>A. VCF-style: chr9-98826946-G-A. GRCh37 (hg19) VCF-style: chr9-101589228-G-A.
Identifiers: ClinVar variation 1758260 (VCV001758260.2), dbSNP rs1390409218, ClinGen allele CA589583101.

ClinVar aggregate classification (germline): Uncertain significance (1 of 4 stars; one submission).

Allele frequency attached by ClinVar (database versions not stated): gnomAD 0.00001.

Submission:

Ambry Genetics
Classification: Uncertain significance. Last evaluated: 2022-06-13. Review status: criteria provided, single submitter. Criteria: Ambry Variant Classification Scheme 2023. Collection method: clinical testing. Allele origin: germline.
Comment: The c.731+5G>A intronic variant results from a G to A substitution 5 nucleotides after coding exon 3 in the GALNT12 gene. This nucleotide position is highly conserved in available vertebrate species. In silico splice site analysis predicts that this alteration may weaken the native splice donor site and may result in the creation or strengthening of a novel splice donor site. The evidence for this gene-disease relationship is limited; therefore, the clinical significance of this alteration is unclear.